The following is an entry in ClinVar:

ClinVar aggregate classification (germline): Likely benign. Review status: criteria provided, multiple submitters, no conflicts (2 of 4 stars). 3 submissions from 3 submitters: Likely benign (3). Last evaluated 2025-12-11.

Allele frequency attached by ClinVar (database versions not stated): ExAC 0.00008; ESP Exome Variant Server 0.00008; gnomAD exomes 0.00010 and 0.00012; gnomAD 0.00028; TOPMed 0.00031.
gnomAD v4.1: 191 of 1,612,620 alleles (0.012%); highest among the groups gnomAD compares: Admixed American, 0.082%; no homozygotes.

Submissions (3):

Labcorp Genetics (formerly Invitae), Labcorp
Classification: Likely benign. Last evaluated: 2025-12-11. Review status: criteria provided, single submitter. Criteria: Invitae Variant Classification Sherloc (09022015). Collection method: clinical testing. Allele origin: germline.

CeGaT Center for Human Genetics Tuebingen
Classification: Likely benign. Last evaluated: 2022-08-01. Review status: criteria provided, single submitter. Criteria: CeGaT Center For Human Genetics Tuebingen Variant Classification Criteria Version 2. Collection method: clinical testing. Allele origin: germline. Affected: yes. Observed: 1 variant allele.
Comment: SCYL1: BP4, BP7

Blueprint Genetics
Classification: Likely benign. Last evaluated: 2021-09-20. Review status: criteria provided, single submitter. Criteria: ACMG Guidelines, 2015. Collection method: clinical testing. Allele origin: germline.

NM_020680.4(SCYL1):c.150G>C (p.Val50=)

Gene: SCYL1 (SCY1 like pseudokinase 1; plus strand). Cytogenetic location: 11q13.1.
Variant type: single nucleotide variant.
Coding change: c.150G>C on transcript NM_020680.4 (MANE Select); coding-DNA position 150, G replaced by C.
Protein change: p.Val50=; no amino-acid change (valine 50 retained).
Molecular consequence: synonymous variant.
Genome position (GRCh38, 1-based): chr11:65,525,612, G>C. VCF-style: chr11-65525612-G-C. GRCh37 (hg19) VCF-style: chr11-65293083-G-C.
Other names: c.150G>C, p.Val50= (NM_001048218.2).
Identifiers: ClinVar variation 742804 (VCV000742804.29), dbSNP rs368523734, ClinGen allele CA6099420.